The following is an entry in ClinVar:

ClinVar aggregate classification (germline): Uncertain significance. Review status: criteria provided, multiple submitters, no conflicts (2 of 4 stars). 2 submissions from 2 submitters: Uncertain significance (2). Last evaluated 2025-04-17.

Conditions:
Inborn genetic diseases. Identifiers: MedGen C0950123, MeSH D030342.
Developmental and epileptic encephalopathy, 25 (DEE25). Also called: Developmental and epileptic encephalopathy 25, with amelogenesis imperfecta; Epileptic encephalopathy, early infantile, 25, with amelogenesis imperfecta; Epileptic encephalopathy, early infantile, 25. Identifiers: Orphanet 442835, MedGen C4014621, MONDO:0014392, OMIM 615905.

Allele frequency attached by ClinVar (database versions not stated): gnomAD 0.00001; gnomAD exomes below 0.00001; TOPMed 0.00003.

Submissions (2):

Ambry Genetics
Classification: Uncertain significance for Inborn genetic diseases. Last evaluated: 2025-04-17. Review status: criteria provided, single submitter. Criteria: Ambry Variant Classification Scheme 2023. Collection method: clinical testing. Allele origin: germline.

Labcorp Genetics (formerly Invitae), Labcorp
Classification: Uncertain significance for Developmental and epileptic encephalopathy, 25. Last evaluated: 2021-12-10. Review status: criteria provided, single submitter. Criteria: Invitae Variant Classification Sherloc (09022015). Collection method: clinical testing. Allele origin: germline.
Comment: This variant has not been reported in the literature in individuals affected with SLC13A5-related conditions. This variant is not present in population databases (gnomAD no frequency). This sequence change replaces valine, which is neutral and non-polar, with isoleucine, which is neutral and non-polar, at codon 36 of the SLC13A5 protein (p.Val36Ile). Algorithms developed to predict the effect of missense changes on protein structure and function are either unavailable or do not agree on the potential impact of this missense change (SIFT: "Tolerated"; PolyPhen-2: "Possibly Damaging"; Align-GVGD: "Class C0"). In summary, the available evidence is currently insufficient to determine the role of this variant in disease. Therefore, it has been classified as a Variant of Uncertain Significance.

NM_177550.5(SLC13A5):c.106G>A (p.Val36Ile)

Gene: SLC13A5 (solute carrier family 13 member 5; minus strand). Cytogenetic location: 17p13.1.
Variant type: single nucleotide variant.
Coding change: c.106G>A on transcript NM_177550.5 (MANE Select); coding-DNA position 106, G replaced by A.
Protein change: p.Val36Ile; replaces valine 36 with isoleucine.
Molecular consequence: missense variant. On other transcripts: intron variant (1).
Genome position (GRCh38, 1-based): chr17:6,707,153, C>T on the plus strand (G>A on the coding strand, the complement: SLC13A5 is on the minus strand). VCF-style: chr17-6707153-C-T. GRCh37 (hg19) VCF-style: chr17-6610472-C-T.
Other names: c.106G>A, p.Val36Ile (NM_001143838.3, NM_001284509.2); c.103-375G>A (NM_001284510.2); c.106G>A (NM_177550.3); short protein forms V36I.
Identifiers: ClinVar variation 1424056 (VCV001424056.5), dbSNP rs1354071715, ClinGen allele CA397752089.